The following is an entry in ClinVar:

ClinVar aggregate classification (germline): Likely pathogenic (1 of 4 stars; one submission).

Conditions:
Very long chain acyl-CoA dehydrogenase deficiency (ACADVLD). Also called: Very Long-Chain Acyl-Coenzyme A Dehydrogenase Deficiency; VLCAD Deficiency. Identifiers: Orphanet 26793, MedGen C3887523, MONDO:0008723, OMIM 201475.

Submission:

Labcorp Genetics (formerly Invitae), Labcorp
Classification: Likely pathogenic for Very long chain acyl-CoA dehydrogenase deficiency. Last evaluated: 2023-12-01. Review status: criteria provided, single submitter. Criteria: Invitae Variant Classification Sherloc (09022015). Collection method: clinical testing. Allele origin: germline.
Comment: This sequence change replaces valine, which is neutral and non-polar, with leucine, which is neutral and non-polar, at codon 164 of the ACADVL protein (p.Val164Leu). This variant is not present in population databases (gnomAD no frequency). This variant has not been reported in the literature in individuals affected with ACADVL-related conditions. Advanced modeling of protein sequence and biophysical properties (such as structural, functional, and spatial information, amino acid conservation, physicochemical variation, residue mobility, and thermodynamic stability) performed at Invitae indicates that this missense variant is expected to disrupt ACADVL protein function with a positive predictive value of 95%. This variant disrupts the p.Val164 amino acid residue in ACADVL. Other variant(s) that disrupt this residue have been determined to be pathogenic (PMID: 23169530; Invitae). This suggests that this residue is clinically significant, and that variants that disrupt this residue are likely to be disease-causing. In summary, the currently available evidence indicates that the variant is pathogenic, but additional data are needed to prove that conclusively. Therefore, this variant has been classified as Likely Pathogenic.

Literature cited by the submitters: PubMed 23169530.

NM_000018.4(ACADVL):c.490G>T (p.Val164Leu)

Gene: ACADVL (acyl-CoA dehydrogenase very long chain; plus strand). Cytogenetic location: 17p13.1.
Variant type: single nucleotide variant.
Coding change: c.490G>T on transcript NM_000018.4 (MANE Select); coding-DNA position 490, G replaced by T.
Protein change: p.Val164Leu; replaces valine 164 with leucine.
Molecular consequence: missense variant.
Genome position (GRCh38, 1-based): chr17:7,221,550, G>T. VCF-style: chr17-7221550-G-T. GRCh37 (hg19) VCF-style: chr17-7124869-G-T.
Other names: c.424G>T, p.Val142Leu (NM_001033859.3); c.559G>T, p.Val187Leu (NM_001270447.2); c.262G>T, p.Val88Leu (NM_001270448.2); short protein forms V142L, V164L, V187L, V88L.
Identifiers: ClinVar variation 2699930 (VCV002699930.1), dbSNP rs1240846419, ClinGen allele CA397723019.